The following is an entry in ClinVar:

ClinVar aggregate classification (germline): Uncertain significance (1 of 4 stars; one submission).

Conditions:
Hereditary cancer-predisposing syndrome. Also called: Neoplastic Syndromes, Hereditary; Tumor predisposition; Hereditary Cancer Syndrome; Hereditary neoplastic syndrome. Identifiers: Orphanet 140162, MedGen C0027672, MeSH D009386, MONDO:0015356.

Submission:

Labcorp Genetics (formerly Invitae), Labcorp
Classification: Uncertain significance for Hereditary cancer-predisposing syndrome. Last evaluated: 2017-07-05. Review status: criteria provided, single submitter. Criteria: Invitae Variant Classification Sherloc (09022015). Collection method: clinical testing. Allele origin: germline.
Comment: In summary, the available evidence is currently insufficient to determine the role of this variant in disease. Therefore, it has been classified as a Variant of Uncertain Significance. Algorithms developed to predict the effect of missense changes on protein structure and function do not agree on the potential impact of this missense change (SIFT: "Deleterious"; PolyPhen-2: "Probably Damaging"; Align-GVGD: "Class C0"). This variant has not been reported in the literature in individuals with RAD50-related disease. This variant is not present in population databases (ExAC no frequency). This sequence change replaces leucine with phenylalanine at codon 1092 of the RAD50 protein (p.Leu1092Phe). The leucine residue is highly conserved and there is a small physicochemical difference between leucine and phenylalanine.

NM_005732.4(RAD50):c.3274C>T (p.Leu1092Phe)

Gene: RAD50 (RAD50 double strand break repair protein; plus strand). Cytogenetic location: 5q31.1.
Variant type: single nucleotide variant.
Coding change: c.3274C>T on transcript NM_005732.4 (MANE Select); coding-DNA position 3274, C replaced by T.
Protein change: p.Leu1092Phe; replaces leucine 1092 with phenylalanine.
Molecular consequence: missense variant.
Genome position (GRCh38, 1-based): chr5:132,618,179, C>T. VCF-style: chr5-132618179-C-T. GRCh37 (hg19) VCF-style: chr5-131953871-C-T.
Other names: short protein forms L1092F.
Identifiers: ClinVar variation 457440 (VCV000457440.9), dbSNP rs752348852, ClinGen allele CA360964648.
Genomic context (GRCh38, chr5:132,618,179, plus strand): 5'-AATTTGGCATTAGGGCGACAGAAAGGTTATGAAGAAGAAATTATTCATTTTAAGAAAGAA[C>T]TTCGAGAACCACAATTTCGGGATGCTGAGGAAAAGTATAGAGAAATGATGATTGTTATGA-3'
Protein context (NP_005723.2, residues 1082-1102): EEEIIHFKKE[Leu1092Phe]REPQFRDAEE